The following is an entry in ClinVar:

ClinVar aggregate classification (germline): Uncertain significance. Review status: criteria provided, multiple submitters, no conflicts (2 of 4 stars). 5 submissions from 5 submitters: Uncertain significance (5). Last evaluated 2026-07-01.

Conditions:
Inborn genetic diseases. Identifiers: MedGen C0950123, MeSH D030342.
Cortical dysplasia-focal epilepsy syndrome (PTHSL1). Also called: Pitt-Hopkins-like syndrome 1. Identifiers: Orphanet 163681, Orphanet 221150, MedGen C2750246, MONDO:0012400, OMIM 610042.

Allele frequency attached by ClinVar (database versions not stated): ExAC 0.00002; gnomAD 0.00002; gnomAD exomes 0.00002 and 0.00003; TOPMed 0.00002.

Submissions (5):

CeGaT Center for Human Genetics Tuebingen
Classification: Uncertain significance. Last evaluated: 2026-07-01. Review status: criteria provided, single submitter. Criteria: CeGaT Center For Human Genetics Tuebingen Variant Classification Criteria Version 2. Collection method: clinical testing. Allele origin: germline. Affected: yes. Observed: 1 variant allele.
Comment: CNTNAP2: PM2

Ambry Genetics
Classification: Uncertain significance for Inborn genetic diseases. Last evaluated: 2025-09-04. Review status: criteria provided, single submitter. Criteria: Ambry Variant Classification Scheme 2023. Collection method: clinical testing. Allele origin: germline.

Labcorp Genetics (formerly Invitae), Labcorp
Classification: Uncertain significance for Cortical dysplasia-focal epilepsy syndrome. Last evaluated: 2023-12-07. Review status: criteria provided, single submitter. Criteria: Invitae Variant Classification Sherloc (09022015). Collection method: clinical testing. Allele origin: germline.
Comment: This sequence change replaces leucine, which is neutral and non-polar, with phenylalanine, which is neutral and non-polar, at codon 39 of the CNTNAP2 protein (p.Leu39Phe). This variant is present in population databases (rs747896321, gnomAD 0.009%). This variant has not been reported in the literature in individuals affected with CNTNAP2-related conditions. ClinVar contains an entry for this variant (Variation ID: 205295). An algorithm developed to predict the effect of missense changes on protein structure and function (PolyPhen-2) suggests that this variant is likely to be disruptive. In summary, the available evidence is currently insufficient to determine the role of this variant in disease. Therefore, it has been classified as a Variant of Uncertain Significance.

GeneDx
Classification: Uncertain significance. Last evaluated: 2023-08-21. Review status: criteria provided, single submitter. Criteria: GeneDx Variant Classification Process June 2021. Collection method: clinical testing. Allele origin: germline. Affected: yes.
Comment: Not observed at significant frequency in large population cohorts (gnomAD); In silico analysis, which includes protein predictors and evolutionary conservation, supports a deleterious effect; Has not been previously published as pathogenic or benign to our knowledge

Blueprint Genetics
Classification: Uncertain significance. Last evaluated: 2022-09-15. Review status: criteria provided, single submitter. Criteria: ACMG Guidelines, 2015. Collection method: clinical testing. Allele origin: germline.

NM_014141.6(CNTNAP2):c.115C>T (p.Leu39Phe)

Gene: CNTNAP2 (contactin associated protein 2; plus strand). Cytogenetic location: 7q35.
Variant type: single nucleotide variant.
Coding change: c.115C>T on transcript NM_014141.6 (MANE Select); coding-DNA position 115, C replaced by T.
Protein change: p.Leu39Phe; replaces leucine 39 with phenylalanine.
Molecular consequence: missense variant.
Genome position (GRCh38, 1-based): chr7:146,774,288, C>T. VCF-style: chr7-146774288-C-T. GRCh37 (hg19) VCF-style: chr7-146471380-C-T.
Other names: p.L39F:CTT>TTT; short protein forms L39F.
Identifiers: ClinVar variation 205295 (VCV000205295.12), dbSNP rs747896321, ClinGen allele CA314224.